The following is an entry in ClinVar:

NM_001020658.2(PUM1):c.1462G>C (p.Ala488Pro)

Gene: PUM1 (pumilio RNA binding family member 1; minus strand). Cytogenetic location: 1p35.2.
Variant type: single nucleotide variant.
Coding change: c.1462G>C on transcript NM_001020658.2 (MANE Select); coding-DNA position 1462, G replaced by C.
Protein change: p.Ala488Pro; replaces alanine 488 with proline.
Molecular consequence: missense variant.
Genome position (GRCh38, 1-based): chr1:30,974,695, C>G on the plus strand (G>C on the coding strand, the complement: PUM1 is on the minus strand). VCF-style: chr1-30974695-C-G. GRCh37 (hg19) VCF-style: chr1-31447542-C-G.
Other names: c.1462G>C, p.Ala488Pro (NM_014676.3); short protein forms A488P.
Identifiers: ClinVar variation 5008016 (VCV005008016.1).

ClinVar aggregate classification (germline): Uncertain significance (1 of 4 stars; one submission).

Submission:

GeneDx
Classification: Uncertain significance. Last evaluated: 2026-02-25. Review status: criteria provided, single submitter. Criteria: GeneDx Variant Classification Process June 2021. Collection method: clinical testing. Allele origin: germline.
Comment: Not observed at significant frequency in large population cohorts (gnomAD); In silico analysis suggests that this missense variant does not alter protein structure/function; Has not been previously published as pathogenic or benign to our knowledge